The following is an entry in ClinVar:

NM_198586.3(NHLRC1):c.1176T>G (p.Val392=)

Gene: NHLRC1 (NHL repeat containing E3 ubiquitin protein ligase 1; minus strand). Cytogenetic location: 6p22.3.
Variant type: single nucleotide variant.
Coding change: c.1176T>G on transcript NM_198586.3 (MANE Select); coding-DNA position 1176, T replaced by G.
Protein change: p.Val392=; no amino-acid change (valine 392 retained).
Molecular consequence: synonymous variant.
Genome position (GRCh38, 1-based): chr6:18,121,431, A>C on the plus strand (T>G on the coding strand, the complement: NHLRC1 is on the minus strand). VCF-style: chr6-18121431-A-C. GRCh37 (hg19) VCF-style: chr6-18121662-A-C.
Identifiers: ClinVar variation 4810089 (VCV004810089.1).

ClinVar aggregate classification (germline): Uncertain significance (1 of 4 stars; one submission).

Conditions:
Lafora disease. Also called: Epilepsy progressive myoclonic 2; Progressive Myoclonus Epilepsy, Lafora Type. Identifiers: Orphanet 501, MedGen C0751783, MONDO:0009697.

gnomAD v4.1: 1 of 1,613,656 alleles (0.000062%); highest among the groups gnomAD compares: Non-Finnish European, 0.000085%; no homozygotes.

Submission:

Labcorp Genetics (formerly Invitae), Labcorp
Classification: Uncertain significance for Lafora disease. Last evaluated: 2025-07-30. Review status: criteria provided, single submitter. Criteria: Invitae Variant Classification Sherloc (09022015). Collection method: clinical testing. Allele origin: germline.
Comment: This sequence change affects codon 392 of the NHLRC1 mRNA. It is a 'silent' change, meaning that it does not change the encoded amino acid sequence of the NHLRC1 protein. This variant is present in population databases (no rsID available, gnomAD 0.0009%). This variant has not been reported in the literature in individuals affected with NHLRC1-related conditions. In summary, the available evidence is currently insufficient to determine the role of this variant in disease. Therefore, it has been classified as a Variant of Uncertain Significance.